The following is an entry in ClinVar:

NM_007144.3(PCGF2):c.710C>A (p.Thr237Asn)

Genes: CISD3 (CDGSH iron sulfur domain 3; plus strand), PCGF2 (polycomb group ring finger 2; minus strand). Cytogenetic location: 17q12.
Variant type: single nucleotide variant.
Coding change: c.710C>A on transcript NM_007144.3 (MANE Select); coding-DNA position 710, C replaced by A.
Protein change: p.Thr237Asn; replaces threonine 237 with asparagine.
Molecular consequence: missense variant. On other transcripts: 3 prime UTR variant (1).
Genome position (GRCh38, 1-based): chr17:38,735,548, G>T on the plus strand (C>A on the coding strand, the complement: PCGF2 is on the minus strand). VCF-style: chr17-38735548-G-T. GRCh37 (hg19) VCF-style: chr17-36891801-G-T.
Other names: c.*2093G>T (NM_001136498.2); c.710C>A, p.Thr237Asn (NM_001369614.1, NM_001369615.1); short protein forms T237N.
Identifiers: ClinVar variation 2172893 (VCV002172893.4), dbSNP rs925022214, ClinGen allele CA398820160.

ClinVar aggregate classification (germline): Uncertain significance (1 of 4 stars; one submission).

Submission:

Labcorp Genetics (formerly Invitae), Labcorp
Classification: Uncertain significance. Last evaluated: 2022-11-01. Review status: criteria provided, single submitter. Criteria: Invitae Variant Classification Sherloc (09022015). Collection method: clinical testing. Allele origin: germline.
Comment: In summary, the available evidence is currently insufficient to determine the role of this variant in disease. Therefore, it has been classified as a Variant of Uncertain Significance. Advanced modeling of protein sequence and biophysical properties (such as structural, functional, and spatial information, amino acid conservation, physicochemical variation, residue mobility, and thermodynamic stability) performed at Invitae indicates that this missense variant is not expected to disrupt PCGF2 protein function. This variant has not been reported in the literature in individuals affected with PCGF2-related conditions. This variant is not present in population databases (gnomAD no frequency). This sequence change replaces threonine, which is neutral and polar, with asparagine, which is neutral and polar, at codon 237 of the PCGF2 protein (p.Thr237Asn).